The following is an entry in ClinVar:

NM_024652.6(LRRK1):c.2251G>A (p.Val751Met)

Gene: LRRK1 (leucine rich repeat kinase 1; plus strand). Cytogenetic location: 15q26.3.
Variant type: single nucleotide variant.
Coding change: c.2251G>A on transcript NM_024652.6 (MANE Select); coding-DNA position 2251, G replaced by A.
Protein change: p.Val751Met; replaces valine 751 with methionine.
Molecular consequence: missense variant.
Genome position (GRCh38, 1-based): chr15:101,025,983, G>A. VCF-style: chr15-101025983-G-A. GRCh37 (hg19) VCF-style: chr15-101566188-G-A.
Other names: short protein forms V751M.
Identifiers: ClinVar variation 1379669 (VCV001379669.3), dbSNP rs141579296, ClinGen allele CA7761179.

ClinVar aggregate classification (germline): Uncertain significance (1 of 4 stars; one submission).

Allele frequency attached by ClinVar (database versions not stated): ExAC 0.00015; gnomAD exomes 0.00018 and 0.00020; gnomAD 0.00019 and 0.00021; TOPMed 0.00021; 1000 Genomes Project 0.00040; 1000 Genomes Project 30x 0.00047.
gnomAD v4.1: 335 of 1,614,236 alleles (0.021%); highest among the groups gnomAD compares: Admixed American, 0.1%; 2 homozygotes.

Submission:

Labcorp Genetics (formerly Invitae), Labcorp
Classification: Uncertain significance. Last evaluated: 2022-10-03. Review status: criteria provided, single submitter. Criteria: Invitae Variant Classification Sherloc (09022015). Collection method: clinical testing. Allele origin: germline.
Comment: This sequence change replaces valine, which is neutral and non-polar, with methionine, which is neutral and non-polar, at codon 751 of the LRRK1 protein (p.Val751Met). This variant is present in population databases (rs141579296, gnomAD 0.08%). This variant has not been reported in the literature in individuals affected with LRRK1-related conditions. ClinVar contains an entry for this variant (Variation ID: 1379669). Algorithms developed to predict the effect of missense changes on protein structure and function are either unavailable or do not agree on the potential impact of this missense change (SIFT: "Tolerated"; PolyPhen-2: "Probably Damaging"; Align-GVGD: "Class C0"). In summary, the available evidence is currently insufficient to determine the role of this variant in disease. Therefore, it has been classified as a Variant of Uncertain Significance.